The following is an entry in ClinVar:

ClinVar aggregate classification (germline): Conflicting classifications of pathogenicity. Review status: criteria provided, conflicting classifications (1 of 4 stars). 7 submissions from 7 submitters: Uncertain significance (3); Likely benign (1). 3 of the submissions do not count toward it. Last evaluated 2025-11-21.

Conditions:
Brugada syndrome 3 (BRGDA3). Identifiers: Orphanet 130, MedGen C2678478, MONDO:0012742, OMIM 611875.
Long QT syndrome 8. Identifiers: MedGen CN260585, MONDO:0032756, OMIM 618447.
Timothy syndrome (TS). Also called: LONG QT SYNDROME WITH SYNDACTYLY. Identifiers: Orphanet 65283, MedGen C1832916, MeSH C536962, MONDO:0010979, OMIM 601005.
Long QT syndrome (LQTS). Identifiers: MedGen C0023976, MeSH D008133, MONDO:0002442. Disease mechanism: loss of function. Inheritance: Various modes of inheritance.

Allele frequency attached by ClinVar (database versions not stated): gnomAD 0.00003 and 0.00002; TOPMed 0.00003; 1000 Genomes Project 0.00020; gnomAD exomes 0.00002 and 0.00003; ExAC 0.00003; 1000 Genomes Project 30x 0.00016.
gnomAD v4.1: 25 of 1,570,584 alleles (0.0016%); highest among the groups gnomAD compares: South Asian, 0.0035%; no homozygotes.

Submissions (7):

Labcorp Genetics (formerly Invitae), Labcorp
Classification: Likely benign for Long QT syndrome. Last evaluated: 2025-11-21. Review status: criteria provided, single submitter. Criteria: Invitae Variant Classification Sherloc (09022015). Collection method: clinical testing. Allele origin: germline.

GeneDx
Classification: Uncertain significance. Last evaluated: 2024-11-05. Review status: criteria provided, single submitter. Criteria: GeneDx Variant Classification Process June 2021. Collection method: clinical testing. Allele origin: germline.
Comment: Reported in association with LQTS in published literature (PMID: 31737537); In silico analysis supports that this missense variant has a deleterious effect on protein structure/function; This variant is associated with the following publications: (PMID: 31737537)

Fulgent Genetics
Classification: Uncertain significance for Timothy syndrome; Brugada syndrome 3; Long QT syndrome 8. Last evaluated: 2021-08-10. Review status: criteria provided, single submitter. Criteria: ACMG Guidelines, 2015. Collection method: clinical testing. Allele origin: unknown.

MVZ Martinsried, Medicover Genetics
Classification: Uncertain significance for Timothy syndrome. Last evaluated: 2018-05-08. Review status: criteria provided, single submitter. Criteria: ACMG Guidelines, 2015. Collection method: clinical testing. Allele origin: unknown. Affected: yes.

Clinical Genetics, Academic Medical Center
Classification: Uncertain significance. Review status: no assertion criteria provided. Collection method: clinical testing. Allele origin: germline. Affected: yes. Study: VKGL Data-share Consensus. Not counted in ClinVar's aggregate classification.

Diagnostic Laboratory, Department of Genetics, University Medical Center Groningen
Classification: Uncertain significance. Review status: no assertion criteria provided. Collection method: clinical testing. Allele origin: germline. Affected: yes. Study: VKGL Data-share Consensus. Not counted in ClinVar's aggregate classification.

Laboratory of Diagnostic Genome Analysis, Leiden University Medical Center (LUMC)
Classification: Uncertain significance. Review status: no assertion criteria provided. Collection method: clinical testing. Allele origin: germline. Affected: yes. Study: VKGL Data-share Consensus. Not counted in ClinVar's aggregate classification.

NM_000719.7(CACNA1C):c.2437G>A (p.Gly813Arg)

Gene: CACNA1C (calcium voltage-gated channel subunit alpha1 C; plus strand). Cytogenetic location: 12p13.33.
Variant type: single nucleotide variant.
Coding change: c.2437G>A on transcript NM_000719.7 (MANE Select); coding-DNA position 2437, G replaced by A.
Protein change: p.Gly813Arg; replaces glycine 813 with arginine.
Molecular consequence: missense variant.
Genome position (GRCh38, 1-based): chr12:2,585,473, G>A. VCF-style: chr12-2585473-G-A. GRCh37 (hg19) VCF-style: chr12-2694639-G-A.
Other names: c.2437G>A, p.Gly813Arg (NM_001129827.2, NM_001129829.2, NM_001129830.3 and 18 more transcripts); c.2428G>A, p.Gly810Arg (NM_001129844.2); short protein forms G813R, G810R.
Identifiers: ClinVar variation 308139 (VCV000308139.26), dbSNP rs545511851, ClinGen allele CA6388966.